The following is an entry in ClinVar:

NM_002875.5(RAD51):c.375G>C (p.Met125Ile)

Gene: RAD51 (RAD51 recombinase; plus strand). Cytogenetic location: 15q15.1.
Variant type: single nucleotide variant.
Coding change: c.375G>C on transcript NM_002875.5 (MANE Select); coding-DNA position 375, G replaced by C.
Protein change: p.Met125Ile; replaces methionine 125 with isoleucine.
Molecular consequence: missense variant.
Genome position (GRCh38, 1-based): chr15:40,709,056, G>C. VCF-style: chr15-40709056-G-C. GRCh37 (hg19) VCF-style: chr15-41001254-G-C.
Other names: c.378G>C, p.Met126Ile (NM_001164269.2, NM_133487.4); c.375G>C, p.Met125Ile (NM_001164270.2); short protein forms M125I, M126I.
Identifiers: ClinVar variation 3312363 (VCV003312363.1).
Genomic context (GRCh38, chr15:40,709,056, plus strand): 5'-CTAAGAGTTATTTCTTATCGCTTTTTTAGGTGGAATTGAGACTGGATCTATCACAGAAAT[G>C]TTTGGAGAATTCCGAACTGGGAAGACCCAGATCTGTCATACGCTAGCTGTCACCTGCCAG-3'
Protein context (NP_002866.2, residues 115-135): GGIETGSITE[Met125Ile]FGEFRTGKTQ

ClinVar aggregate classification (germline): Uncertain significance (1 of 4 stars; one submission).

Conditions:
Inborn genetic diseases. Identifiers: MedGen C0950123, MeSH D030342.

Submission:

Ambry Genetics
Classification: Uncertain significance for Inborn genetic diseases. Last evaluated: 2024-06-07. Review status: criteria provided, single submitter. Criteria: Ambry Variant Classification Scheme 2023. Collection method: clinical testing. Allele origin: germline.
Comment: The p.M125I variant (also known as c.375G>C), located in coding exon 4 of the RAD51 gene, results from a G to C substitution at nucleotide position 375. The methionine at codon 125 is replaced by isoleucine, an amino acid with highly similar properties. This amino acid position is conserved. In addition, this alteration is predicted to be tolerated by in silico analysis. Based on the available evidence, the clinical significance of this variant remains unclear.